The following is an entry in ClinVar:

NM_022124.6(CDH23):c.3369+2633G>A

Genes: C10orf105 (chromosome 10 open reading frame 105; minus strand), CDH23 (cadherin related 23; plus strand). Cytogenetic location: 10q22.1.
Variant type: single nucleotide variant.
Coding change: c.3369+2633G>A on transcript NM_022124.6 (MANE Select); 2633 bases into the intron after coding-DNA position 3369, G replaced by A.
Molecular consequence: intron variant. On other transcripts: 3 prime UTR variant (2).
Genome position (GRCh38, 1-based): chr10:71,715,446, G>A. VCF-style: chr10-71715446-G-A. GRCh37 (hg19) VCF-style: chr10-73475203-G-A.
Other names: c.*490C>T (NM_001164375.3, NM_001168390.2); c.3369+2633G>A (NM_001171930.2).
Identifiers: ClinVar variation 2640571 (VCV002640571.24), dbSNP rs56266405, ClinGen allele CA209466869.

ClinVar aggregate classification (germline): Likely benign (1 of 4 stars; one submission).

Allele frequency attached by ClinVar (database versions not stated): 1000 Genomes Project 0.00040; 1000 Genomes Project 30x 0.00094; gnomAD 0.00323; TOPMed 0.00360; gnomAD exomes 0.00467.
gnomAD v4.1: 489 of 152,780 alleles (0.32%); highest among the groups gnomAD compares: Non-Finnish European, 0.52%; 3 homozygotes.

Submission:

CeGaT Center for Human Genetics Tuebingen
Classification: Likely benign. Last evaluated: 2023-03-01. Review status: criteria provided, single submitter. Criteria: CeGaT Center For Human Genetics Tuebingen Variant Classification Criteria Version 2. Collection method: clinical testing. Allele origin: germline. Affected: yes. Observed: 1 variant allele.
Comment: CDH23: BS2